The following is an entry in ClinVar:

NM_004369.4(COL6A3):c.124T>G (p.Phe42Val)

Gene: COL6A3 (collagen type VI alpha 3 chain; minus strand). Cytogenetic location: 2q37.3.
Variant type: single nucleotide variant.
Coding change: c.124T>G on transcript NM_004369.4 (MANE Select); coding-DNA position 124, T replaced by G.
Protein change: p.Phe42Val; replaces phenylalanine 42 with valine.
Molecular consequence: missense variant. On other transcripts: intron variant (4).
Genome position (GRCh38, 1-based): chr2:237,395,172, A>C on the plus strand (T>G on the coding strand, the complement: COL6A3 is on the minus strand). VCF-style: chr2-237395172-A-C. GRCh37 (hg19) VCF-style: chr2-238303815-A-C.
Other names: c.91+1555T>G (NM_057166.5, NM_057167.4, NM_057164.5 and 1 more transcripts); short protein forms F42V.
Identifiers: ClinVar variation 595828 (VCV000595828.8), dbSNP rs1559280207, ClinGen allele CA351228385.
Genomic context (GRCh38, chr2:237,395,172, plus strand): 5'-GAAACTCTCGAACAAGTTGGAAATGTTCCTCTCCAATGGTCCAAGAGGAATCCACTAGAA[A>C]TATTATATCAGCAGCCGCACCATTTTTGACATCTTTAAAAAAAGACATTGGTTTAGATTT-3'
Protein context (NP_004360.2, residues 32-52): VKNGAAADII[Phe42Val]LVDSSWTIGE

ClinVar aggregate classification (germline): Uncertain significance. Review status: criteria provided, multiple submitters, no conflicts (2 of 4 stars). 2 submissions from 2 submitters: Uncertain significance (2). Last evaluated 2023-04-06.

Conditions:
Bethlem myopathy 1A. Also called: Bethlem myopathy 1; MYOPATHY, BENIGN CONGENITAL, WITH CONTRACTURES; Bethlem Muscular Dystrophy. Identifiers: Orphanet 610, MedGen CN029274, MONDO:0024530, OMIM 158810.

Submissions (2):

Labcorp Genetics (formerly Invitae), Labcorp
Classification: Uncertain significance for Bethlem myopathy 1A. Last evaluated: 2023-04-06. Review status: criteria provided, single submitter. Criteria: Invitae Variant Classification Sherloc (09022015). Collection method: clinical testing. Allele origin: germline.
Comment: This sequence change replaces phenylalanine, which is neutral and non-polar, with valine, which is neutral and non-polar, at codon 42 of the COL6A3 protein (p.Phe42Val). This variant is not present in population databases (gnomAD no frequency). This variant has not been reported in the literature in individuals affected with COL6A3-related conditions. ClinVar contains an entry for this variant (Variation ID: 595828). Advanced modeling of protein sequence and biophysical properties (such as structural, functional, and spatial information, amino acid conservation, physicochemical variation, residue mobility, and thermodynamic stability) performed at Invitae indicates that this missense variant is not expected to disrupt COL6A3 protein function. In summary, the available evidence is currently insufficient to determine the role of this variant in disease. Therefore, it has been classified as a Variant of Uncertain Significance.

Eurofins Ntd Llc (ga)
Classification: Uncertain significance. Last evaluated: 2018-01-25. Review status: criteria provided, single submitter. Criteria: EGL Classification Definitions 2015. Collection method: clinical testing. Allele origin: germline. Observed: 1 variant allele, 1 heterozygote.